The following is an entry in ClinVar:

NM_001999.4(FBN2):c.5900A>G (p.His1967Arg)

Gene: FBN2 (fibrillin 2; minus strand). Cytogenetic location: 5q23.3.
Variant type: single nucleotide variant.
Coding change: c.5900A>G on transcript NM_001999.4 (MANE Select); coding-DNA position 5900, A replaced by G.
Protein change: p.His1967Arg; replaces histidine 1967 with arginine.
Molecular consequence: missense variant.
Genome position (GRCh38, 1-based): chr5:128,302,990, T>C on the plus strand (A>G on the coding strand, the complement: FBN2 is on the minus strand). VCF-style: chr5-128302990-T-C. GRCh37 (hg19) VCF-style: chr5-127638682-T-C.
Other names: short protein forms H1967R.
Identifiers: ClinVar variation 947110 (VCV000947110.12), dbSNP rs1314671452, ClinGen allele CA360738834.

ClinVar aggregate classification (germline): Uncertain significance. Review status: criteria provided, multiple submitters, no conflicts (2 of 4 stars). 2 submissions from 2 submitters: Uncertain significance (2). Last evaluated 2021-07-03.

Conditions:
Familial thoracic aortic aneurysm and aortic dissection (TAAD). Also called: Thoracic aortic aneurysms and dissections. Identifiers: Orphanet 91387, MedGen C4707243, MONDO:0019625.
Congenital contractural arachnodactyly (CCA). Also called: BEALS SYNDROME; Arthrogryposis, distal, type 9; Beals-Hecht syndrome. Identifiers: Orphanet 115, MedGen C0220668, MONDO:0007363, OMIM 121050.

Allele frequency attached by ClinVar (database versions not stated): gnomAD exomes 0.00001.
gnomAD v4.1: 6 of 1,580,078 alleles (0.00038%); highest among the groups gnomAD compares: Non-Finnish European, 0.00044%; no homozygotes.

Submissions (2):

Ambry Genetics
Classification: Uncertain significance for Familial thoracic aortic aneurysm and aortic dissection. Last evaluated: 2021-07-03. Review status: criteria provided, single submitter. Criteria: Ambry Variant Classification Scheme 2023. Collection method: clinical testing. Allele origin: germline.
Comment: The p.H1967R variant (also known as c.5900A>G), located in coding exon 46 of the FBN2 gene, results from an A to G substitution at nucleotide position 5900. The histidine at codon 1967 is replaced by arginine, an amino acid with highly similar properties. This amino acid position is well conserved in available vertebrate species. In addition, the in silico prediction for this alteration is inconclusive. Since supporting evidence is limited at this time, the clinical significance of this alteration remains unclear.

Labcorp Genetics (formerly Invitae), Labcorp
Classification: Uncertain significance for Congenital contractural arachnodactyly. Last evaluated: 2019-11-12. Review status: criteria provided, single submitter. Criteria: Invitae Variant Classification Sherloc (09022015). Collection method: clinical testing. Allele origin: germline.
Comment: In summary, the available evidence is currently insufficient to determine the role of this variant in disease. Therefore, it has been classified as a Variant of Uncertain Significance. Algorithms developed to predict the effect of missense changes on protein structure and function are either unavailable or do not agree on the potential impact of this missense change (SIFT: "Deleterious"; PolyPhen-2: "Benign"; Align-GVGD: "Class C25"). This variant has not been reported in the literature in individuals with FBN2-related conditions. This variant is not present in population databases (ExAC no frequency). This sequence change replaces histidine with arginine at codon 1967 of the FBN2 protein (p.His1967Arg). The histidine residue is highly conserved and there is a small physicochemical difference between histidine and arginine.